The following is an entry in ClinVar:

ClinVar aggregate classification (germline): Uncertain significance (1 of 4 stars; one submission).

Allele frequency attached by ClinVar (database versions not stated): ExAC 0.00001; gnomAD exomes 0.00001.

Submission:

Labcorp Genetics (formerly Invitae), Labcorp
Classification: Uncertain significance. Last evaluated: 2025-04-03. Review status: criteria provided, single submitter. Criteria: Invitae Variant Classification Sherloc (09022015). Collection method: clinical testing. Allele origin: germline.
Comment: This sequence change replaces glutamine, which is neutral and polar, with histidine, which is basic and polar, at codon 690 of the FLNB protein (p.Gln690His). This variant is present in population databases (rs770654346, gnomAD 0.003%). This variant has not been reported in the literature in individuals affected with FLNB-related conditions. ClinVar contains an entry for this variant (Variation ID: 2001696). Invitae Evidence Modeling of protein sequence and biophysical properties (such as structural, functional, and spatial information, amino acid conservation, physicochemical variation, residue mobility, and thermodynamic stability) indicates that this missense variant is not expected to disrupt FLNB protein function with a negative predictive value of 95%. In summary, the available evidence is currently insufficient to determine the role of this variant in disease. Therefore, it has been classified as a Variant of Uncertain Significance.

NM_001457.4(FLNB):c.2070A>C (p.Gln690His)

Gene: FLNB (filamin B; plus strand). Cytogenetic location: 3p14.3.
Variant type: single nucleotide variant.
Coding change: c.2070A>C on transcript NM_001457.4 (MANE Select); coding-DNA position 2070, A replaced by C.
Protein change: p.Gln690His; replaces glutamine 690 with histidine.
Molecular consequence: missense variant.
Genome position (GRCh38, 1-based): chr3:58,109,193, A>C. VCF-style: chr3-58109193-A-C. GRCh37 (hg19) VCF-style: chr3-58094920-A-C.
Other names: c.2070A>C, p.Gln690His (NM_001164317.2, NM_001164318.2, NM_001164319.2); short protein forms Q690H.
Identifiers: ClinVar variation 2001696 (VCV002001696.4), dbSNP rs770654346, ClinGen allele CA2468019.